The following is an entry in ClinVar:

NM_001161352.2(KCNMA1):c.3584C>T (p.Ser1195Leu)

Gene: KCNMA1 (potassium calcium-activated channel subfamily M alpha 1; minus strand). Cytogenetic location: 10q22.3.
Variant type: single nucleotide variant.
Coding change: c.3584C>T on transcript NM_001161352.2 (MANE Select); coding-DNA position 3584, C replaced by T.
Protein change: p.Ser1195Leu; replaces serine 1195 with leucine.
Molecular consequence: missense variant.
Genome position (GRCh38, 1-based): chr10:76,887,393, G>A on the plus strand (C>T on the coding strand, the complement: KCNMA1 is on the minus strand). VCF-style: chr10-76887393-G-A. GRCh37 (hg19) VCF-style: chr10-78647151-G-A.
Other names: c.3422C>T, p.Ser1141Leu (NM_001014797.3); c.3533C>T, p.Ser1178Leu (NM_001161353.2); c.3260C>T, p.Ser1087Leu (NM_001271518.2); c.3500C>T, p.Ser1167Leu (NM_001271519.2); c.3419C>T, p.Ser1140Leu (NM_001322829.2, NM_001322836.2); c.3512C>T, p.Ser1171Leu (NM_001322830.2); c.3410C>T, p.Ser1137Leu (NM_001322832.2, NM_002247.4); c.3503C>T, p.Ser1168Leu (NM_001322835.2, NM_001322837.2); and 1 more; short protein forms S1167L, S1140L, S1141L, S1171L, S1087L, S1137L, S1168L, S1195L.
Identifiers: ClinVar variation 952252 (VCV000952252.10), dbSNP rs202024249, ClinGen allele CA377402705.

ClinVar aggregate classification (germline): Uncertain significance (1 of 4 stars; one submission).

Conditions:
Generalized epilepsy-paroxysmal dyskinesia syndrome (PNKD3). Also called: Generalized epilepsy and paroxysmal dyskinesia; Paroxysmal nonkinesigenic dyskinesia, 3, with or without generalized epilepsy. Identifiers: Orphanet 79137, MedGen C5574945, MONDO:0012276, OMIM 609446.

Allele frequency attached by ClinVar (database versions not stated): gnomAD 0.00001; gnomAD exomes 0.00001.
gnomAD v4.1: 4 of 1,614,034 alleles (0.00025%); highest among the groups gnomAD compares: East Asian, 0.0022%; no homozygotes.

Submission:

Labcorp Genetics (formerly Invitae), Labcorp
Classification: Uncertain significance for Generalized epilepsy-paroxysmal dyskinesia syndrome. Last evaluated: 2022-05-24. Review status: criteria provided, single submitter. Criteria: Invitae Variant Classification Sherloc (09022015). Collection method: clinical testing. Allele origin: germline.
Comment: This sequence change replaces serine, which is neutral and polar, with leucine, which is neutral and non-polar, at codon 1137 of the KCNMA1 protein (p.Ser1137Leu). In summary, the available evidence is currently insufficient to determine the role of this variant in disease. Therefore, it has been classified as a Variant of Uncertain Significance. Algorithms developed to predict the effect of missense changes on protein structure and function are either unavailable or do not agree on the potential impact of this missense change (SIFT: "Deleterious"; PolyPhen-2: "Probably Damaging"; Align-GVGD: "Class C0"). ClinVar contains an entry for this variant (Variation ID: 952252). This variant has not been reported in the literature in individuals affected with KCNMA1-related conditions. This variant is present in population databases (no rsID available, gnomAD 0.01%).